The following is an entry in ClinVar:

ClinVar aggregate classification (germline): Uncertain significance (1 of 4 stars; one submission).

Conditions:
Gastrointestinal stromal tumor. Also called: Gastrointestinal stromal tumor, somatic; Gastrointestinal stroma tumor. Identifiers: Orphanet 44890, MedGen C0238198, MeSH D046152, MONDO:0011719, OMIM 606764, HP:0100723.

Submission:

Labcorp Genetics (formerly Invitae), Labcorp
Classification: Uncertain significance for Gastrointestinal stromal tumor. Last evaluated: 2024-04-22. Review status: criteria provided, single submitter. Criteria: Invitae Variant Classification Sherloc (09022015). Collection method: clinical testing. Allele origin: germline.
Comment: This sequence change replaces isoleucine, which is neutral and non-polar, with valine, which is neutral and non-polar, at codon 540 of the PDGFRA protein (p.Ile540Val). This variant is not present in population databases (gnomAD no frequency). This variant has not been reported in the literature in individuals affected with PDGFRA-related conditions. Advanced modeling of protein sequence and biophysical properties (such as structural, functional, and spatial information, amino acid conservation, physicochemical variation, residue mobility, and thermodynamic stability) performed at Invitae indicates that this missense variant is not expected to disrupt PDGFRA protein function with a negative predictive value of 80%. In summary, the available evidence is currently insufficient to determine the role of this variant in disease. Therefore, it has been classified as a Variant of Uncertain Significance.

NM_006206.6(PDGFRA):c.1618A>G (p.Ile540Val)

Gene: PDGFRA (platelet derived growth factor receptor alpha; plus strand). Cytogenetic location: 4q12.
Variant type: single nucleotide variant.
Coding change: c.1618A>G on transcript NM_006206.6 (MANE Select); coding-DNA position 1618, A replaced by G.
Protein change: p.Ile540Val; replaces isoleucine 540 with valine.
Molecular consequence: missense variant.
Genome position (GRCh38, 1-based): chr4:54,274,590, A>G. VCF-style: chr4-54274590-A-G. GRCh37 (hg19) VCF-style: chr4-55140757-A-G.
Other names: c.1618A>G, p.Ile540Val (NM_001347827.2, NM_001347829.2); c.1693A>G, p.Ile565Val (NM_001347828.2); c.1657A>G, p.Ile553Val (NM_001347830.2); short protein forms I540V, I565V, I553V.
Identifiers: ClinVar variation 2746167 (VCV002746167.3), dbSNP rs1723605917, ClinGen allele CA356892935.
Genomic context (GRCh38, chr4:54,274,590, plus strand): 5'-GCCCTGCGTTCTGAACTCACGGTGGCTGCTGCAGTCCTGGTGCTGTTGGTGATTGTGATC[A>G]TCTCACTTATTGTCCTGGTTGTCATTTGGAAACAGGTAGATATTTTCTCATAAAACTAAA-3'
Protein context (NP_006197.1, residues 530-550): AVLVLLVIVI[Ile540Val]SLIVLVVIWK